The following is an entry in ClinVar:

ClinVar aggregate classification (germline): Uncertain significance (1 of 4 stars; one submission).

Conditions:
GLUT1 deficiency syndrome 1, autosomal recessive. Identifiers: MedGen C3149117.

gnomAD v4.1: 1 of 1,614,062 alleles (0.000062%); highest among the groups gnomAD compares: Non-Finnish European, 0.000085%; no homozygotes.

Submission:

Labcorp Genetics (formerly Invitae), Labcorp
Classification: Uncertain significance for GLUT1 deficiency syndrome 1, autosomal recessive. Last evaluated: 2025-02-19. Review status: criteria provided, single submitter. Criteria: Invitae Variant Classification Sherloc (09022015). Collection method: clinical testing. Allele origin: germline.
Comment: This sequence change replaces asparagine, which is neutral and polar, with serine, which is neutral and polar, at codon 222 of the SLC2A1 protein (p.Asn222Ser). This variant is not present in population databases (gnomAD no frequency). This variant has not been reported in the literature in individuals affected with SLC2A1-related conditions. Invitae Evidence Modeling of protein sequence and biophysical properties (such as structural, functional, and spatial information, amino acid conservation, physicochemical variation, residue mobility, and thermodynamic stability) indicates that this missense variant is not expected to disrupt SLC2A1 protein function with a negative predictive value of 95%. In summary, the available evidence is currently insufficient to determine the role of this variant in disease. Therefore, it has been classified as a Variant of Uncertain Significance.

NM_006516.4(SLC2A1):c.665A>G (p.Asn222Ser)

Gene: SLC2A1 (solute carrier family 2 member 1; minus strand). Cytogenetic location: 1p34.2.
Variant type: single nucleotide variant.
Coding change: c.665A>G on transcript NM_006516.4 (MANE Select); coding-DNA position 665, A replaced by G.
Protein change: p.Asn222Ser; replaces asparagine 222 with serine.
Molecular consequence: missense variant.
Genome position (GRCh38, 1-based): chr1:42,929,887, T>C on the plus strand (A>G on the coding strand, the complement: SLC2A1 is on the minus strand). VCF-style: chr1-42929887-T-C. GRCh37 (hg19) VCF-style: chr1-43395558-T-C.
Other names: short protein forms N222S.
Identifiers: ClinVar variation 4749424 (VCV004749424.1).